The following is an entry in ClinVar:

NM_000245.4(MET):c.3595A>C (p.Lys1199Gln)

Gene: MET (MET proto-oncogene, receptor tyrosine kinase; plus strand). Cytogenetic location: 7q31.2.
Variant type: single nucleotide variant.
Coding change: c.3595A>C on transcript NM_000245.4 (MANE Select); coding-DNA position 3595, A replaced by C.
Protein change: p.Lys1199Gln; replaces lysine 1199 with glutamine.
Molecular consequence: missense variant.
Genome position (GRCh38, 1-based): chr7:116,782,060, A>C. VCF-style: chr7-116782060-A-C. GRCh37 (hg19) VCF-style: chr7-116422114-A-C.
Other names: c.3649A>C, p.Lys1217Gln (NM_001127500.3); c.2305A>C, p.Lys769Gln (NM_001324402.2); short protein forms K769Q, K1199Q, K1217Q.
Identifiers: ClinVar variation 3395125 (VCV003395125.1).

ClinVar aggregate classification (germline): Uncertain significance (1 of 4 stars; one submission).

Conditions:
Hereditary cancer-predisposing syndrome. Also called: Hereditary Cancer Syndrome; Tumor predisposition; Hereditary neoplastic syndrome; Neoplastic Syndromes, Hereditary. Identifiers: Orphanet 140162, MedGen C0027672, MeSH D009386, MONDO:0015356.

Submission:

Ambry Genetics
Classification: Uncertain significance for Hereditary cancer-predisposing syndrome. Last evaluated: 2024-08-04. Review status: criteria provided, single submitter. Criteria: Ambry Variant Classification Scheme 2023. Collection method: clinical testing. Allele origin: germline.
Comment: The p.K1217Q variant (also known as c.3649A>C), located in coding exon 17 of the MET gene, results from an A to C substitution at nucleotide position 3649. The lysine at codon 1217 is replaced by glutamine, an amino acid with similar properties. This amino acid position is conserved. In addition, the in silico prediction for this alteration is inconclusive. Based on the available evidence, the clinical significance of this variant remains unclear.